The following is an entry in ClinVar:

NM_000548.5(TSC2):c.2990G>C (p.Ser997Thr)

Gene: TSC2 (TSC complex subunit 2; plus strand). Cytogenetic location: 16p13.3.
Variant type: single nucleotide variant.
Coding change: c.2990G>C on transcript NM_000548.5 (MANE Select); coding-DNA position 2990, G replaced by C.
Protein change: p.Ser997Thr; replaces serine 997 with threonine.
Molecular consequence: missense variant. On other transcripts: non-coding transcript variant (5).
Genome position (GRCh38, 1-based): chr16:2,079,055, G>C. VCF-style: chr16-2079055-G-C. GRCh37 (hg19) VCF-style: chr16-2129056-G-C.
Other names: c.2858G>C, p.Ser953Thr (NM_001077183.3, NM_001370404.1, NM_001406665.1); c.2990G>C, p.Ser997Thr (NM_001114382.3); c.2750G>C, p.Ser917Thr (NM_001318827.2); c.2714G>C, p.Ser905Thr (NM_001318829.2); c.2258G>C, p.Ser753Thr (NM_001318831.2, NM_001406687.1, NM_001406688.1); c.2891G>C, p.Ser964Thr (NM_001318832.2); c.2861G>C, p.Ser954Thr (NM_001363528.2, NM_001370405.1, NM_021055.3); c.2987G>C, p.Ser996Thr (NM_001406663.1, NM_001406664.1); and 18 more; short protein forms S506T, S796T, S934T, S949T, S950T, S954T, S960T, S419T.
Identifiers: ClinVar variation 3462688 (VCV003462688.1).

ClinVar aggregate classification (germline): Uncertain significance (1 of 4 stars; one submission).

Conditions:
Hereditary cancer-predisposing syndrome. Also called: Tumor predisposition; Neoplastic Syndromes, Hereditary; Hereditary neoplastic syndrome; Hereditary Cancer Syndrome. Identifiers: Orphanet 140162, MedGen C0027672, MeSH D009386, MONDO:0015356.

gnomAD v4.1: 1 of 1,612,876 alleles (0.000062%); highest among the groups gnomAD compares: South Asian, 0.0011%; no homozygotes.

Submission:

Ambry Genetics
Classification: Uncertain significance for Hereditary cancer-predisposing syndrome. Last evaluated: 2024-11-30. Review status: criteria provided, single submitter. Criteria: Ambry Variant Classification Scheme 2023. Collection method: clinical testing. Allele origin: germline.
Comment: The p.S997T variant (also known as c.2990G>C), located in coding exon 26 of the TSC2 gene, results from a G to C substitution at nucleotide position 2990. The serine at codon 997 is replaced by threonine, an amino acid with similar properties. This amino acid position is conserved. In addition, the in silico prediction for this alteration is inconclusive. Based on the available evidence, the clinical significance of this variant remains unclear.